The following is an entry in ClinVar:

NM_006941.4(SOX10):c.536_566dup (p.Cys190fs)

Genes: POLR2F (RNA polymerase II, I and III subunit F; plus strand), SOX10 (SRY-box transcription factor 10; minus strand). Cytogenetic location: 22q13.1.
Variant type: Duplication.
Coding change: c.536_566dup on transcript NM_006941.4 (MANE Select); coding-DNA positions 536 to 566, 31 bases duplicated.
Protein change: p.Cys190fs; shifts the reading frame from cysteine 190.
Molecular consequence: frameshift variant. On other transcripts: intron variant (3).
Genome position (GRCh38, 1-based): chr22:37,977,998-37,978,028, 31 bases duplicated; duplicating any 31 consecutive bases within chr22:37,977,998-37,978,034 gives the same sequence; the c. name uses the placement nearest the transcript's 3' end. GRCh37 (hg19): chr22:38,374,011-38,374,041.
Other names: c.536_566dup31 (NM_006941.3); c.*38+5694_*38+5724dup (NM_001363825.1); c.294-8150_294-8120dup (NM_001301130.2); c.293+10834_293+10864dup (NM_001301131.2); short protein forms C190fs.
Identifiers: ClinVar variation 2633050 (VCV002633050.1), dbSNP rs2518046732, ClinGen allele CA2695199884.

ClinVar aggregate classification (germline): Likely pathogenic (1 of 4 stars; one submission).

Conditions:
SOX10-related disorder. Also called: SOX10-related condition.

Submission:

PreventionGenetics, part of Exact Sciences
Classification: Likely pathogenic for SOX10-related condition. Last evaluated: 2023-05-03. Review status: criteria provided, single submitter. Criteria: ACMG Guidelines, 2015. Collection method: clinical testing. Allele origin: germline.
Comment: The SOX10 c.536_566dup31 variant is predicted to result in a frameshift and premature protein termination (p.Cys190Glufs*101). To our knowledge, this variant has not been reported in the literature or in a large population database, indicating this variant is rare. Frameshift variants in SOX10 are expected to be pathogenic. This variant is interpreted as likely pathogenic.